The following is an entry in ClinVar:

ClinVar aggregate classification (germline): Uncertain significance (1 of 4 stars; one submission).

gnomAD v4.1: 1 of 1,614,118 alleles (0.000062%); highest among the groups gnomAD compares: Admixed American, 0.0017%; no homozygotes.

Submission:

Labcorp Genetics (formerly Invitae), Labcorp
Classification: Uncertain significance. Last evaluated: 2025-01-13. Review status: criteria provided, single submitter. Criteria: Invitae Variant Classification Sherloc (09022015). Collection method: clinical testing. Allele origin: germline.
Comment: This sequence change replaces threonine, which is neutral and polar, with isoleucine, which is neutral and non-polar, at codon 3875 of the ANK3 protein (p.Thr3875Ile). This variant is not present in population databases (gnomAD no frequency). This variant has not been reported in the literature in individuals affected with ANK3-related conditions. An algorithm developed to predict the effect of missense changes on protein structure and function outputs the following: PolyPhen-2: "Benign". The isoleucine amino acid residue is found in multiple mammalian species, which suggests that this missense change does not adversely affect protein function. In summary, the available evidence is currently insufficient to determine the role of this variant in disease. Therefore, it has been classified as a Variant of Uncertain Significance.

NM_020987.5(ANK3):c.11624C>T (p.Thr3875Ile)

Gene: ANK3 (ankyrin 3; minus strand). Cytogenetic location: 10q21.2.
Variant type: single nucleotide variant.
Coding change: c.11624C>T on transcript NM_020987.5 (MANE Select); coding-DNA position 11624, C replaced by T.
Protein change: p.Thr3875Ile; replaces threonine 3875 with isoleucine.
Molecular consequence: missense variant. On other transcripts: intron variant (4).
Genome position (GRCh38, 1-based): chr10:60,069,257, G>A on the plus strand (C>T on the coding strand, the complement: ANK3 is on the minus strand). VCF-style: chr10-60069257-G-A. GRCh37 (hg19) VCF-style: chr10-61829015-G-A.
Other names: c.4388-1248C>T (NM_001204403.2); c.4409-1248C>T (NM_001204404.2); c.4406-1248C>T (NM_001320874.2); c.1808-1248C>T (NM_001149.4); short protein forms T3875I.
Identifiers: ClinVar variation 3606791 (VCV003606791.2).